The following is an entry in ClinVar:

NM_000038.6(APC):c.1158A>C (p.Ala386=)

Gene: APC (APC regulator of Wnt signaling pathway; plus strand). Cytogenetic location: 5q22.2.
Variant type: single nucleotide variant.
Coding change: c.1158A>C on transcript NM_000038.6 (MANE Select); coding-DNA position 1158, A replaced by C.
Protein change: p.Ala386=; no amino-acid change (alanine 386 retained).
Molecular consequence: synonymous variant. On other transcripts: intron variant (15), non-coding transcript variant (2).
Genome position (GRCh38, 1-based): chr5:112,819,190, A>C. VCF-style: chr5-112819190-A-C. GRCh37 (hg19) VCF-style: chr5-112154887-A-C.
Other names: c.1158A>C (NM_000038.5); c.934-79A>C (NM_001407454.1, NM_001354903.2, NM_001407456.1 and 5 more transcripts); c.850-79A>C (NM_001407467.1, NM_001407469.1); c.757-79A>C (NM_001354905.2); c.1188A>C, p.Ala396= (NM_001407446.1, NM_001354897.2); c.1158A>C, p.Ala386= (NM_001407447.1, NM_001407448.1, NM_001407449.1 and 4 more transcripts); c.1083A>C, p.Ala361= (NM_001407451.1, NM_001354898.2); c.1074A>C, p.Ala358= (NM_001407452.1, NM_001354899.2); and 6 more.
Identifiers: ClinVar variation 2774710 (VCV002774710.7), dbSNP rs370669642, ClinGen allele CA445960319.

ClinVar aggregate classification (germline): Benign/Likely benign. Review status: criteria provided, multiple submitters, no conflicts (2 of 4 stars). 4 submissions from 4 submitters: Benign (1); Likely benign (3). Last evaluated 2026-05-14.

Conditions:
Hereditary cancer-predisposing syndrome. Also called: Tumor predisposition; Hereditary neoplastic syndrome; Neoplastic Syndromes, Hereditary; Hereditary Cancer Syndrome. Identifiers: Orphanet 140162, MedGen C0027672, MeSH D009386, MONDO:0015356.
Familial adenomatous polyposis 1 (FAP1). Also called: FAMILIAL ADENOMATOUS POLYPOSIS 1, ATTENUATED; POLYPOSIS, ADENOMATOUS INTESTINAL. Identifiers: MedGen C2713442, MONDO:0021056, OMIM 175100. Disease mechanism: loss of function.

Submissions (4):

Ambry Genetics
Classification: Likely benign for Hereditary cancer-predisposing syndrome. Last evaluated: 2026-05-14. Review status: criteria provided, single submitter. Criteria: Ambry Variant Classification Scheme 2023. Collection method: clinical testing. Allele origin: germline.

Labcorp Genetics (formerly Invitae), Labcorp
Classification: Likely benign for Familial adenomatous polyposis 1. Last evaluated: 2025-05-05. Review status: criteria provided, single submitter. Criteria: Invitae Variant Classification Sherloc (09022015). Collection method: clinical testing. Allele origin: germline.

Myriad Genetics, Inc.
Classification: Benign for Familial adenomatous polyposis 1. Last evaluated: 2024-03-01. Review status: criteria provided, single submitter. Criteria: Myriad Autosomal Dominant, Autosomal Recessive and X-Linked Classification Criteria (2023). Collection method: clinical testing. Allele origin: unknown.
Comment: This variant is considered benign. This variant is a silent/synonymous amino acid change and it is not expected to impact splicing.

Color Diagnostics, LLC DBA Color Health
Classification: Likely benign for Hereditary cancer-predisposing syndrome. Last evaluated: 2020-03-26. Review status: criteria provided, single submitter. Criteria: ACMG Guidelines, 2015. Collection method: clinical testing. Allele origin: germline.